The following is an entry in ClinVar:

ClinVar aggregate classification (germline): Uncertain significance (1 of 4 stars; one submission).

Allele frequency attached by ClinVar (database versions not stated): gnomAD 0.00001; gnomAD exomes 0.00001; TOPMed 0.00001.
gnomAD v4.1: 9 of 1,608,318 alleles (0.00056%); highest among the groups gnomAD compares: Admixed American, 0.0017%; no homozygotes.

Submission:

Ambry Genetics
Classification: Uncertain significance. Last evaluated: 2024-06-15. Review status: criteria provided, single submitter. Criteria: Ambry Variant Classification Scheme 2023. Collection method: clinical testing. Allele origin: germline.
Comment: The p.K1866E variant (also known as c.5596A>G), located in coding exon 16 of the POLQ gene, results from an A to G substitution at nucleotide position 5596. The lysine at codon 1866 is replaced by glutamic acid, an amino acid with similar properties. This amino acid position is conserved. In addition, this alteration is predicted to be tolerated by in silico analysis. Since supporting evidence is limited at this time, the clinical significance of this alteration remains unclear.

NM_199420.4(POLQ):c.5596A>G (p.Lys1866Glu)

Gene: POLQ (DNA polymerase theta; minus strand). Cytogenetic location: 3q13.33.
Variant type: single nucleotide variant.
Coding change: c.5596A>G on transcript NM_199420.4 (MANE Select); coding-DNA position 5596, A replaced by G.
Protein change: p.Lys1866Glu; replaces lysine 1866 with glutamic acid.
Molecular consequence: missense variant.
Genome position (GRCh38, 1-based): chr3:121,487,335, T>C on the plus strand (A>G on the coding strand, the complement: POLQ is on the minus strand). VCF-style: chr3-121487335-T-C. GRCh37 (hg19) VCF-style: chr3-121206182-T-C.
Other names: short protein forms K1866E.
Identifiers: ClinVar variation 1748511 (VCV001748511.3), dbSNP rs1178555393, ClinGen allele CA354089832.